The following is an entry in ClinVar:

NM_001349338.3(FOXP1):c.179A>G (p.Gln60Arg)

Gene: FOXP1 (forkhead box P1; minus strand). Cytogenetic location: 3p13.
Variant type: single nucleotide variant.
Coding change: c.179A>G on transcript NM_001349338.3 (MANE Select); coding-DNA position 179, A replaced by G.
Protein change: p.Gln60Arg; replaces glutamine 60 with arginine.
Molecular consequence: missense variant. On other transcripts: non-coding transcript variant (2).
Genome position (GRCh38, 1-based): chr3:71,198,203, T>C on the plus strand (A>G on the coding strand, the complement: FOXP1 is on the minus strand). VCF-style: chr3-71198203-T-C. GRCh37 (hg19) VCF-style: chr3-71247354-T-C.
Other names: c.179A>G, p.Gln60Arg (NM_001012505.2, NM_001244808.3, NM_001244810.2 and 6 more transcripts); short protein forms Q60R.
Identifiers: ClinVar variation 984883 (VCV000984883.8), dbSNP rs374060287, ClinGen allele CA2491436.

ClinVar aggregate classification (germline): Uncertain significance. Review status: criteria provided, multiple submitters, no conflicts (2 of 4 stars). 2 submissions from 2 submitters: Uncertain significance (2). Last evaluated 2025-09-24.

Conditions:
Intellectual disability-severe speech delay-mild dysmorphism syndrome (IDDLA). Also called: Mental retardation with language impairment and autistic features; Intellectual developmental disorder with language impairment AND with or without autistic features; FOXP1 Syndrome. Identifiers: Orphanet 391372, MedGen C4013764, MONDO:0013352, OMIM 613670.

Allele frequency attached by ClinVar (database versions not stated): gnomAD exomes 0.00001 and 0.00006; ExAC 0.00002; TOPMed 0.00003; gnomAD 0.00004 and 0.00005; ESP Exome Variant Server 0.00015.
gnomAD v4.1: 84 of 1,613,982 alleles (0.0052%); highest among the groups gnomAD compares: Non-Finnish European, 0.007%; no homozygotes.

Submissions (2):

Labcorp Genetics (formerly Invitae), Labcorp
Classification: Uncertain significance. Last evaluated: 2025-09-24. Review status: criteria provided, single submitter. Criteria: Invitae Variant Classification Sherloc (09022015). Collection method: clinical testing. Allele origin: germline.
Comment: This sequence change replaces glutamine, which is neutral and polar, with arginine, which is basic and polar, at codon 60 of the FOXP1 protein (p.Gln60Arg). This variant is present in population databases (rs374060287, gnomAD 0.002%). This variant has not been reported in the literature in individuals affected with FOXP1-related conditions. ClinVar contains an entry for this variant (Variation ID: 984883). An algorithm developed to predict the effect of missense changes on protein structure and function (PolyPhen-2) suggests that this variant is likely to be tolerated. In summary, the available evidence is currently insufficient to determine the role of this variant in disease. Therefore, it has been classified as a Variant of Uncertain Significance.

Mendelics
Classification: Uncertain significance. Last evaluated: 2022-05-04. Review status: criteria provided, single submitter. Criteria: Mendelics Assertion Criteria 2019. Collection method: clinical testing. Allele origin: germline.